The following is an entry in ClinVar:

ClinVar aggregate classification (germline): Uncertain significance (1 of 4 stars; one submission).

Conditions:
Spinocerebellar ataxia type 6 (SCA6). Identifiers: Orphanet 98758, MedGen C0752124, MONDO:0008457, OMIM 183086.
Migraine, familial hemiplegic, 1. Also called: MIGRAINE, FAMILIAL HEMIPLEGIC 1, WITH PROGRESSIVE CEREBELLAR ATAXIA. Identifiers: Orphanet 569, MedGen C1832884, MONDO:0020756, OMIM 141500, MONDO:0007714.
Episodic ataxia type 2 (EA2). Also called: ATAXIA, EPISODIC, WITH NYSTAGMUS; ATAXIA, FAMILIAL PAROXYSMAL; CEREBELLAR ATAXIA, PAROXYSMAL, ACETAZOLAMIDE-RESPONSIVE; CEREBELLOPATHY, HEREDITARY PAROXYSMAL; ACETAZOLAMIDE-RESPONSIVE HEREDITARY PAROXYSMAL CEREBELLAR ATAXIA; EPISODIC ATAXIA, NYSTAGMUS-ASSOCIATED. Identifiers: Orphanet 97, MedGen C1720416, MONDO:0007163, OMIM 108500.
Developmental and epileptic encephalopathy, 42 (DEE42A). Also called: DEVELOPMENTAL AND EPILEPTIC ENCEPHALOPATHY 42A; EPILEPTIC ENCEPHALOPATHY, EARLY INFANTILE, 42A; Epileptic encephalopathy, early infantile, 42. Identifiers: MedGen C4310716, MONDO:0014917, OMIM 617106.

Submission:

Juno Genomics, Hangzhou Juno Genomics, Inc
Classification: Uncertain significance for Spinocerebellar ataxia type 6; Developmental and epileptic encephalopathy, 42; Episodic ataxia type 2; Migraine, familial hemiplegic, 1. Review status: criteria provided, single submitter. Criteria: ACMG Guidelines, 2015. Collection method: clinical testing. Allele origin: germline.
Comment: Missense variant in a gene that has a low rate of benign missense variation.;Multiple lines of computational evidence support a deleterious effect on the gene or gene product.;Absent from controls (or at extremely low frequency if recessive) in Genome Aggregation Database.

NM_001127222.2(CACNA1A):c.17A>T (p.Asp6Val)

Gene: CACNA1A (calcium voltage-gated channel subunit alpha1 A; minus strand). Cytogenetic location: 19p13.13.
Variant type: single nucleotide variant.
Coding change: c.17A>T on transcript NM_001127222.2 (MANE Select); coding-DNA position 17, A replaced by T.
Protein change: p.Asp6Val; replaces aspartic acid 6 with valine.
Molecular consequence: missense variant.
Genome position (GRCh38, 1-based): chr19:13,506,208, T>A on the plus strand (A>T on the coding strand, the complement: CACNA1A is on the minus strand). VCF-style: chr19-13506208-T-A. GRCh37 (hg19) VCF-style: chr19-13617022-T-A.
Other names: c.17A>T, p.Asp6Val (NM_000068.4, NM_001127221.2, NM_001174080.2 and 1 more transcripts); short protein forms D6V.
Identifiers: ClinVar variation 5005938 (VCV005005938.2).